The following is an entry in ClinVar:

NM_000478.6(ALPL):c.884T>C (p.Met295Thr)

Gene: ALPL (alkaline phosphatase, biomineralization associated; plus strand). Cytogenetic location: 1p36.12.
Variant type: single nucleotide variant.
Coding change: c.884T>C on transcript NM_000478.6 (MANE Select); coding-DNA position 884, T replaced by C.
Protein change: p.Met295Thr; replaces methionine 295 with threonine.
Molecular consequence: missense variant.
Genome position (GRCh38, 1-based): chr1:21,573,686, T>C. VCF-style: chr1-21573686-T-C. GRCh37 (hg19) VCF-style: chr1-21900179-T-C.
Other names: c.719T>C, p.Met240Thr (NM_001127501.4); c.653T>C, p.Met218Thr (NM_001177520.3); c.884T>C, p.Met295Thr (NM_001369803.2, NM_001369804.2, NM_001369805.2); c.884T>C (NM_000478.4, NM_000478.5); short protein forms M240T, M295T, M218T.
Identifiers: ClinVar variation 1402715 (VCV001402715.14), dbSNP rs1220125702, ClinGen allele CA338880206.
Genomic context (GRCh38, chr1:21,573,686, plus strand): 5'-AGCCTCTCAGCATCCACATCCTCCTGGCGTCCTCCTCAGGTCTCTTCGAGCCAGGGGACA[T>C]GCAGTACGAGCTGAACAGGAACAACGTGACGGACCCGTCACTCTCCGAGATGGTGGTGGT-3'
Protein context (NP_000469.3, residues 285-305): YLLGLFEPGD[Met295Thr]QYELNRNNVT

ClinVar aggregate classification (germline): Conflicting classifications of pathogenicity. Review status: criteria provided, conflicting classifications (1 of 4 stars). 7 submissions from 7 submitters: Pathogenic (2); Likely pathogenic (4); Uncertain significance (1). Last evaluated 2026-01-18.

Conditions:
Adult hypophosphatasia. Identifiers: Orphanet 247676, Orphanet 436, MedGen C0268413, MONDO:1010154, OMIM 146300, MONDO:0007798.
Inborn genetic diseases. Identifiers: MedGen C0950123, MeSH D030342.
Hypophosphatasia. Also called: Phosphoethanol-aminuria. Identifiers: Orphanet 436, MedGen C0020630, MeSH D007014, MONDO:0018570.

Allele frequency attached by ClinVar (database versions not stated): TOPMed below 0.00001; gnomAD 0.00001; gnomAD exomes 0.00001 and 0.00002.
gnomAD v4.1: 28 of 1,613,836 alleles (0.0017%); highest among the groups gnomAD compares: Non-Finnish European, 0.0023%; no homozygotes.

Submissions (7):

Labcorp Genetics (formerly Invitae), Labcorp
Classification: Pathogenic. Last evaluated: 2026-01-18. Review status: criteria provided, single submitter. Criteria: Invitae Variant Classification Sherloc (09022015). Collection method: clinical testing. Allele origin: germline.
Comment: This sequence change replaces methionine, which is neutral and non-polar, with threonine, which is neutral and polar, at codon 295 of the ALPL protein (p.Met295Thr). This variant is present in population databases (no rsID available, gnomAD 0.002%). This missense change has been observed in individuals with hypophosphatasia (PMID: 15694177; internal data). This variant is also known as M278T. ClinVar contains an entry for this variant (Variation ID: 1402715). Invitae Evidence Modeling of protein sequence and biophysical properties (such as structural, functional, and spatial information, amino acid conservation, physicochemical variation, residue mobility, and thermodynamic stability) indicates that this missense variant is expected to disrupt ALPL protein function with a positive predictive value of 95%. Experimental studies have shown that this missense change affects ALPL function (PMID: 15694177, 32160374). This variant disrupts the p.Met295 amino acid residue in ALPL. Other variant(s) that disrupt this residue have been determined to be pathogenic (PMID: 32160374). This suggests that this residue is clinically significant, and that variants that disrupt this residue are likely to be disease-causing. For these reasons, this variant has been classified as Pathogenic.

Genomenon, Inc
Classification: Pathogenic for Hypophosphatasia. Last evaluated: 2025-08-29. Review status: criteria provided, single submitter. Criteria: Genomenon Sequence Variant Interpretation Standards. Collection method: curation. Allele origin: germline. Affected: yes.
Comment: ALPL c.884T>C is a missense variant that changes the amino acid at residue 295 from Methionine to Threonine. This variant has been observed in at least one proband affected with hypophosphatasia (PMID:32811521;15694177). At least one functional study has demonstrated a substantial alteration in protein function relative to the wild-type (PMID:32160374;15694177). This variant has been described as Met278Thr in the literature. It is absent or not present at a significant frequency in gnomAD. In silico models agree that this variant is possibly or probably damaging. In conclusion, we classify ALPL p.Met295Thr (c.884T>C) as a pathogenic variant.

GeneDx
Classification: Likely pathogenic. Last evaluated: 2025-04-07. Review status: criteria provided, single submitter. Criteria: GeneDx Variant Classification Process June 2021. Collection method: clinical testing. Allele origin: germline. Affected: yes.
Comment: Observed with a pathogenic variant in patient with adult onset hypophosphatasia in published literature, but it is not known whether the variants occurred on the same (in cis) or on different (in trans) chromosomes (PMID: 32160374); Identified with a second variant in several patients with perinatal lethal hypophosphatasia (PMID: 15694177, 32160374); Published functional studies demonstrate a damaging effect by reducing residual enzyme activity (PMID: 15694177); In silico analysis supports that this missense variant has a deleterious effect on protein structure/function; This variant is associated with the following publications: (PMID: 15694177, 32160374)

Women's Health and Genetics/Laboratory Corporation of America, LabCorp
Classification: Likely pathogenic for Hypophosphatasia. Last evaluated: 2024-07-31. Review status: criteria provided, single submitter. Criteria: LabCorp Variant Classification Summary - May 2015. Collection method: clinical testing. Allele origin: germline.
Comment: Variant summary: ALPL c.884T>C (p.Met295Thr) results in a non-conservative amino acid change in the encoded protein sequence. Four of five in-silico tools predict a damaging effect of the variant on protein function. The variant allele was found at a frequency of 8e-06 in 251044 control chromosomes. c.884T>C has been reported in the literature in bi-allelic individuals affected with Hypophosphatasia (examples: Brun-Heath_2005, DelAngel_2020). These data indicate that the variant may be associated with disease. At least one publication reports experimental evidence evaluating an impact on protein function. The most pronounced variant effect results in reduction in normal activity (examples: Brun-Heath_2005, DelAngel_2020). The following publications have been ascertained in the context of this evaluation (PMID: 15694177, 32160374). ClinVar contains an entry for this variant (Variation ID: 1402715). Based on the evidence outlined above, the variant was classified as likely pathogenic.

Natera, Inc.
Classification: Likely pathogenic for Hypophosphatasia. Last evaluated: 2024-05-28. Review status: criteria provided, single submitter. Criteria: Natera Variant Classification Schema (03/2026). Collection method: clinical testing. Allele origin: germline.
Comment: The c.884T>C variant in ALPL is a missense variant predicted to cause substitution of methionine to threonine at amino acid 295. This variant is rare in the general population with a frequency below the threshold expected for the associated phenotype(s). This variant has been observed in one or more individuals affected with the associated recessive disease, as either homozygous or compound heterozygous with a second variant (PMID: 32160374, 32160374, 32973344). Functional studies show that this variant may disrupt protein function (PMID: 15694177, 32160374). Computational prediction algorithms indicate this variant is likely to affect gene or protein function. Given the available evidence, this variant is classified as Likely Pathogenic.

Baylor Genetics
Classification: Likely pathogenic for Adult hypophosphatasia. Last evaluated: 2023-10-02. Review status: criteria provided, single submitter. Criteria: ACMG Guidelines, 2015. Collection method: clinical testing. Allele origin: unknown.

Ambry Genetics
Classification: Uncertain significance for Inborn genetic diseases. Last evaluated: 2022-03-07. Review status: criteria provided, single submitter. Criteria: Ambry Variant Classification Scheme 2023. Collection method: clinical testing. Allele origin: germline.

Literature cited by the submitters: PubMed 15694177 (cited by 5 submitters); PubMed 32160374 (cited by 5 submitters); PubMed 32811521 (cited by Genomenon, Inc and Ambry Genetics); PubMed 32973344 (cited by Natera, Inc. and Ambry Genetics).